The following is an entry in ClinVar:

ClinVar aggregate classification (germline): Likely benign. Review status: criteria provided, multiple submitters, no conflicts (2 of 4 stars). 3 submissions from 3 submitters: Likely benign (3). Last evaluated 2021-07-01.

Conditions:
Glycogen storage disease, type VII (GSD7). Also called: GSD VII; MUSCLE PHOSPHOFRUCTOKINASE DEFICIENCY; PFKM DEFICIENCY; TARUI DISEASE. Identifiers: Orphanet 371, MedGen C0017926, MONDO:0009295, OMIM 232800.

Allele frequency attached by ClinVar (database versions not stated): 1000 Genomes Project 0.01558; 1000 Genomes Project 30x 0.01593; TOPMed 0.01908; gnomAD 0.01997.
gnomAD v4.1: 9,826 of 1,076,164 alleles (0.91%); highest among the groups gnomAD compares: African/African-American, 4.7%; 143 homozygotes.

Submissions (3):

Pars Genome Lab
Classification: Likely benign for Glycogen storage disease, type VII. Last evaluated: 2021-07-01. Review status: criteria provided, single submitter. Criteria: ACMG Guidelines, 2015. Collection method: clinical testing. Allele origin: germline. Affected: no.

GeneDx
Classification: Likely benign. Last evaluated: 2018-06-16. Review status: criteria provided, single submitter. Criteria: GeneDx Variant Classification (06012015). Collection method: clinical testing. Allele origin: germline. Affected: yes.
Comment: This variant is considered likely benign or benign based on one or more of the following criteria: it is a conservative change, it occurs at a poorly conserved position in the protein, it is predicted to be benign by multiple in silico algorithms, and/or has population frequency not consistent with disease.

Breakthrough Genomics
Classification: Likely benign. Review status: criteria provided, single submitter. Criteria: ACMG Guidelines, 2015. Collection method: not provided. Allele origin: germline. Inheritance: Autosomal recessive inheritance. Affected: yes.

NM_000289.6(PFKM):c.237+73G>T

Gene: PFKM (phosphofructokinase, muscle; plus strand). Cytogenetic location: 12q13.11.
Variant type: single nucleotide variant.
Coding change: c.237+73G>T on transcript NM_000289.6 (MANE Select); 73 bases into the intron after coding-DNA position 237, G replaced by T.
Molecular consequence: intron variant.
Genome position (GRCh38, 1-based): chr12:48,131,466, G>T. VCF-style: chr12-48131466-G-T. GRCh37 (hg19) VCF-style: chr12-48525249-G-T.
Other names: c.261+73G>T (NM_001354741.2); c.237+73G>T (NM_001354742.2, NM_001354743.2, NM_001354744.2 and 4 more transcripts); c.87+73G>T (NM_001354747.2, NM_001354748.2); c.450+73G>T (NM_001166686.2, NM_001354737.1, NM_001354739.1 and 1 more transcripts); c.546+73G>T (NM_001354736.1, NM_001354735.1); c.381+73G>T (NM_001354740.1); c.150+73G>T (NM_001354745.2).
Identifiers: ClinVar variation 676756 (VCV000676756.4), dbSNP rs78042191, ClinGen allele CA236509107.